The following is an entry in ClinVar:

NM_201384.3(PLEC):c.2951G>A (p.Arg984His)

Gene: PLEC (plectin; minus strand). Cytogenetic location: 8q24.3.
Variant type: single nucleotide variant.
Coding change: c.2951G>A on transcript NM_201384.3 (MANE Select); coding-DNA position 2951, G replaced by A.
Protein change: p.Arg984His; replaces arginine 984 with histidine.
Molecular consequence: missense variant.
Genome position (GRCh38, 1-based): chr8:143,929,544, C>T on the plus strand (G>A on the coding strand, the complement: PLEC is on the minus strand). VCF-style: chr8-143929544-C-T. GRCh37 (hg19) VCF-style: chr8-145003712-C-T.
Other names: c.3032G>A, p.Arg1011His (NM_000445.5); c.2909G>A, p.Arg970His (NM_201378.4); c.2885G>A, p.Arg962His (NM_201379.3); c.3362G>A, p.Arg1121His (NM_201380.4); c.2855G>A, p.Arg952His (NM_201381.3); c.2951G>A, p.Arg984His (NM_201382.4); c.2963G>A, p.Arg988His (NM_201383.3); c.3032G>A (NM_000445.3); short protein forms R1121H, R962H, R952H, R988H, R1011H, R970H, R984H.
Identifiers: ClinVar variation 282419 (VCV000282419.17), dbSNP rs782740422, ClinGen allele CA4927277.

ClinVar aggregate classification (germline): Uncertain significance. Review status: criteria provided, multiple submitters, no conflicts (2 of 4 stars). 5 submissions from 5 submitters: Uncertain significance (5). Last evaluated 2026-06-30.

Conditions:
PLEC-related disorder. Also called: PLEC-related disorders; PLEC-related condition.
Epidermolysis bullosa simplex with nail dystrophy (EBS5D). Identifiers: MedGen C4225309, MONDO:0014661, OMIM 616487.
Autosomal recessive limb-girdle muscular dystrophy type 2Q (LGMDR17). Also called: MUSCULAR DYSTROPHY, LIMB-GIRDLE, AUTOSOMAL RECESSIVE 17. Identifiers: Orphanet 254361, MedGen C3150989, MONDO:0013390, OMIM 613723.
Epidermolysis bullosa simplex 5C, with pyloric atresia (EBS5C). Also called: PLEC-Related Epidermolysis Bullosa with Pyloric Atresia; Epidermolysis bullosa simplex with pyloric atresia; PLEC1-Related Epidermolysis Bullosa with Pyloric Atresia. Identifiers: Orphanet 158684, MedGen C2677349, MONDO:0012807, OMIM 612138.
Epidermolysis bullosa simplex 5B, with muscular dystrophy (EBS5B). Also called: EPIDERMOLYSIS BULLOSA SIMPLEX AND LIMB-GIRDLE MUSCULAR DYSTROPHY; Epidermolysis bullosa simplex with muscular dystrophy. Identifiers: Orphanet 257, MedGen C2931072, MONDO:0009181, OMIM 226670.
Epidermolysis bullosa simplex, Ogna type (EBS5A). Also called: Pidermolysis bullosa simplex 5A, Ogna type; EPIDERMOLYSIS BULLOSA SIMPLEX 5A, OGNA TYPE. Identifiers: Orphanet 79401, MedGen C0432317, MONDO:0007555, OMIM 131950.
Inborn genetic diseases. Identifiers: MedGen C0950123, MeSH D030342.

Allele frequency attached by ClinVar (database versions not stated): gnomAD 0.00003; TOPMed 0.00006; ExAC 0.00011; gnomAD exomes 0.00017.
gnomAD v4.1: 74 of 1,612,466 alleles (0.0046%); highest among the groups gnomAD compares: Admixed American, 0.053%; no homozygotes.

Submissions (5):

PreventionGenetics, part of Exact Sciences
Classification: Uncertain significance for PLEC-related condition. Last evaluated: 2026-06-30. Review status: criteria provided, single submitter. Criteria: ACMG Guidelines, 2015. Collection method: clinical testing. Allele origin: germline.
Comment: The PLEC c.3032G>A variant is predicted to result in the amino acid substitution p.Arg1011His. To our knowledge, this variant has not been reported in the literature. This variant is reported in 0.088% of alleles in individuals of Latino descent in gnomAD. Although we suspect that this variant may be benign, at this time, the clinical significance of this variant is uncertain due to the absence of conclusive functional and genetic evidence.

Labcorp Genetics (formerly Invitae), Labcorp
Classification: Uncertain significance for Autosomal recessive limb-girdle muscular dystrophy type 2Q; Epidermolysis bullosa simplex, Ogna type; Epidermolysis bullosa simplex with nail dystrophy; Epidermolysis bullosa simplex 5C, with pyloric atresia; Epidermolysis bullosa simplex 5B, with muscular dystrophy. Last evaluated: 2025-07-17. Review status: criteria provided, single submitter. Criteria: Invitae Variant Classification Sherloc (09022015). Collection method: clinical testing. Allele origin: germline.
Comment: This sequence change replaces arginine, which is basic and polar, with histidine, which is basic and polar, at codon 1011 of the PLEC protein (p.Arg1011His). This variant is present in population databases (rs782740422, gnomAD 0.09%). This variant has not been reported in the literature in individuals affected with PLEC-related conditions. ClinVar contains an entry for this variant (Variation ID: 282419). Invitae Evidence Modeling of protein sequence and biophysical properties (such as structural, functional, and spatial information, amino acid conservation, physicochemical variation, residue mobility, and thermodynamic stability) indicates that this missense variant is not expected to disrupt PLEC protein function with a negative predictive value of 80%. In summary, the available evidence is currently insufficient to determine the role of this variant in disease. Therefore, it has been classified as a Variant of Uncertain Significance.

Revvity Omics, Revvity
Classification: Uncertain significance. Last evaluated: 2025-05-19. Review status: criteria provided, single submitter. Criteria: ACMG Guidelines, 2015. Collection method: clinical testing. Allele origin: germline.

Ambry Genetics
Classification: Uncertain significance for Inborn genetic diseases. Last evaluated: 2024-04-01. Review status: criteria provided, single submitter. Criteria: Ambry Variant Classification Scheme 2023. Collection method: clinical testing. Allele origin: germline.

Eurofins Ntd Llc (ga)
Classification: Uncertain significance. Last evaluated: 2015-08-06. Review status: criteria provided, single submitter. Criteria: EGL Classification Definitions 2015. Collection method: clinical testing. Allele origin: germline. Observed: 2 variant alleles, 2 heterozygotes.